The following is an entry in ClinVar:

ClinVar aggregate classification (germline): Likely benign (1 of 4 stars; one submission).

Allele frequency attached by ClinVar (database versions not stated): gnomAD exomes 0.00017; 1000 Genomes Project 30x 0.00031; gnomAD 0.00065.

Submission:

GeneDx
Classification: Likely benign. Last evaluated: 2016-07-28. Review status: criteria provided, single submitter. Criteria: GeneDx Variant Classification (06012015). Collection method: clinical testing. Allele origin: germline. Affected: yes.
Comment: This variant is considered likely benign or benign based on one or more of the following criteria: it is a conservative change, it occurs at a poorly conserved position in the protein, it is predicted to be benign by multiple in silico algorithms, and/or has population frequency not consistent with disease.

NM_001164508.2(NEB):c.15892C>T (p.Arg5298Cys)

Gene: NEB (nebulin; minus strand). Cytogenetic location: 2q23.3.
Variant type: single nucleotide variant.
Coding change: c.15892C>T on transcript NM_001164508.2 (MANE Select); coding-DNA position 15892, C replaced by T.
Protein change: p.Arg5298Cys; replaces arginine 5298 with cysteine.
Molecular consequence: missense variant. On other transcripts: intron variant (1).
Genome position (GRCh38, 1-based): chr2:151,583,538, G>A on the plus strand (C>T on the coding strand, the complement: NEB is on the minus strand). VCF-style: chr2-151583538-G-A. GRCh37 (hg19) VCF-style: chr2-152440052-G-A.
Other names: c.15892C>T, p.Arg5298Cys (NM_001164507.2, NM_001271208.2); c.11602-7184C>T (NM_004543.5); short protein forms R5298C.
Identifiers: ClinVar variation 387566 (VCV000387566.1), dbSNP rs931064362, ClinGen allele CA16603777.